The following is an entry in ClinVar:

ClinVar aggregate classification (germline): Uncertain significance (1 of 4 stars; one submission).

Conditions:
Hereditary cancer-predisposing syndrome. Also called: Hereditary Cancer Syndrome; Neoplastic Syndromes, Hereditary; Tumor predisposition; Hereditary neoplastic syndrome. Identifiers: Orphanet 140162, MedGen C0027672, MeSH D009386, MONDO:0015356.

Submission:

Ambry Genetics
Classification: Uncertain significance for Hereditary cancer-predisposing syndrome. Last evaluated: 2025-10-02. Review status: criteria provided, single submitter. Criteria: Ambry Variant Classification Scheme 2023. Collection method: clinical testing. Allele origin: germline.
Comment: The p.L47V variant (also known as c.139C>G), located in coding exon 1 of the CDKN2A (p14ARF) gene, results from an A to G substitution at nucleotide position 158. The leucine at codon 47 is replaced by valine, an amino acid with highly similar properties. Based on the available evidence, the clinical significance of this variant remains unclear.

NM_058195.4(CDKN2A):c.139C>G (p.Leu47Val)

Gene: CDKN2A (cyclin dependent kinase inhibitor 2A; minus strand). Cytogenetic location: 9p21.3.
Variant type: single nucleotide variant.
Coding change: c.139C>G on transcript NM_058195.4 (MANE Plus Clinical); coding-DNA position 139, C replaced by G.
Protein change: p.Leu47Val; replaces leucine 47 with valine.
Molecular consequence: missense variant. On other transcripts: intron variant (1).
Genome position (GRCh38, 1-based): chr9:21,994,193, G>C on the plus strand (C>G on the coding strand, the complement: CDKN2A is on the minus strand). VCF-style: chr9-21994193-G-C. GRCh37 (hg19) VCF-style: chr9-21994192-G-C.
Other names: c.-4+628C>G (NM_001363763.2); short protein forms L47V.
Identifiers: ClinVar variation 4633820 (VCV004633820.1).
Genomic context (GRCh38, chr9:21,994,193, plus strand): 5'-TCCTACCTGGTCTTCTAGGAAGCGGCTGCTGCCCTAGACGCTGGCTCCTCAGTAGCATCA[G>C]CACGAGGGCCACAGCGGCGGGCGCCCCTGGCGCTGCCCACTCCCCCGTGAGCCGCGGGAT-3'
Protein context (NP_478102.2, residues 37-57): PGAPAAVALV[Leu47Val]MLLRSQRLGQ